The following is an entry in ClinVar:

NM_000092.5(COL4A4):c.5059G>C (p.Val1687Leu)

Gene: COL4A4 (collagen type IV alpha 4 chain; minus strand). Cytogenetic location: 2q36.3.
Variant type: single nucleotide variant.
Coding change: c.5059G>C on transcript NM_000092.5 (MANE Select); coding-DNA position 5059, G replaced by C.
Protein change: p.Val1687Leu; replaces valine 1687 with leucine.
Molecular consequence: missense variant.
Genome position (GRCh38, 1-based): chr2:227,007,339, C>G on the plus strand (G>C on the coding strand, the complement: COL4A4 is on the minus strand). VCF-style: chr2-227007339-C-G. GRCh37 (hg19) VCF-style: chr2-227872055-C-G.
Other names: short protein forms V1687L.
Identifiers: ClinVar variation 4714664 (VCV004714664.1).

ClinVar aggregate classification (germline): Uncertain significance (1 of 4 stars; one submission).

gnomAD v4.1: 3 of 1,614,220 alleles (0.00019%); highest among the groups gnomAD compares: South Asian, 0.0011%; no homozygotes.

Submission:

Labcorp Genetics (formerly Invitae), Labcorp
Classification: Uncertain significance. Last evaluated: 2025-07-27. Review status: criteria provided, single submitter. Criteria: Invitae Variant Classification Sherloc (09022015). Collection method: clinical testing. Allele origin: germline.
Comment: This sequence change replaces valine, which is neutral and non-polar, with leucine, which is neutral and non-polar, at codon 1687 of the COL4A4 protein (p.Val1687Leu). This variant is present in population databases (no rsID available, gnomAD 0.004%). This variant has not been reported in the literature in individuals affected with COL4A4-related conditions. Invitae Evidence Modeling of protein sequence and biophysical properties (such as structural, functional, and spatial information, amino acid conservation, physicochemical variation, residue mobility, and thermodynamic stability) indicates that this missense variant is not expected to disrupt COL4A4 protein function with a negative predictive value of 95%. In summary, the available evidence is currently insufficient to determine the role of this variant in disease. Therefore, it has been classified as a Variant of Uncertain Significance.